The following is an entry in ClinVar:

ClinVar aggregate classification (germline): Uncertain significance (1 of 4 stars; one submission).

Allele frequency attached by ClinVar (database versions not stated): gnomAD exomes below 0.00001.
gnomAD v4.1: 4 of 1,607,542 alleles (0.00025%); highest among the groups gnomAD compares: Non-Finnish European, 0.00026%; no homozygotes.

Submission:

Ambry Genetics
Classification: Uncertain significance. Last evaluated: 2022-03-27. Review status: criteria provided, single submitter. Criteria: Ambry Variant Classification Scheme 2023. Collection method: clinical testing. Allele origin: germline.
Comment: The p.G2399E variant (also known as c.7196G>A), located in coding exon 26 of the POLQ gene, results from a G to A substitution at nucleotide position 7196. The glycine at codon 2399 is replaced by glutamic acid, an amino acid with similar properties. This amino acid position is conserved. In addition, this alteration is predicted to be deleterious by in silico analysis. Since supporting evidence is limited at this time, the clinical significance of this alteration remains unclear.

NM_199420.4(POLQ):c.7196G>A (p.Gly2399Glu)

Gene: POLQ (DNA polymerase theta; minus strand). Cytogenetic location: 3q13.33.
Variant type: single nucleotide variant.
Coding change: c.7196G>A on transcript NM_199420.4 (MANE Select); coding-DNA position 7196, G replaced by A.
Protein change: p.Gly2399Glu; replaces glycine 2399 with glutamic acid.
Molecular consequence: missense variant.
Genome position (GRCh38, 1-based): chr3:121,449,383, C>T on the plus strand (G>A on the coding strand, the complement: POLQ is on the minus strand). VCF-style: chr3-121449383-C-T. GRCh37 (hg19) VCF-style: chr3-121168230-C-T.
Other names: short protein forms G2399E.
Identifiers: ClinVar variation 1757605 (VCV001757605.2), dbSNP rs2047655228, ClinGen allele CA354102483.
Genomic context (GRCh38, chr3:121,449,383, plus strand): 5'-CTGGATTTGAAGGAGTCAATATAGCATGCAGCATCATTTTCTTTAATGCCCATCTGCTCT[C>T]CCAAAGATTTAGCTCCCATTCCATAAATGATCCCATAGCAAATCTGAAAGGGAGTCATCC-3'
Protein context (NP_955452.3, residues 2389-2409): IIYGMGAKSL[Gly2399Glu]EQMGIKENDA